The following is an entry in ClinVar:

ClinVar aggregate classification (germline): Pathogenic (1 of 4 stars; one submission).

Submission:

Labcorp Genetics (formerly Invitae), Labcorp
Classification: Pathogenic. Last evaluated: 2021-05-07. Review status: criteria provided, single submitter. Criteria: Invitae Variant Classification Sherloc (09022015). Collection method: clinical testing. Allele origin: germline.
Comment: For these reasons, this variant has been classified as Pathogenic. This variant disrupts the C-terminus of the EYS protein. Other variant(s) that disrupt this region (p.Tyr3135*) have been determined to be pathogenic (PMID: 18976725, 31074760, 29159838, 30337596). This suggests that variants that disrupt this region of the protein are likely to be causative of disease. This variant has not been reported in the literature in individuals with EYS-related conditions. This variant is not present in population databases (ExAC no frequency). This sequence change creates a premature translational stop signal (p.Ser2701Thrfs*40) in the EYS gene. While this is not anticipated to result in nonsense mediated decay, it is expected to disrupt the last 444 amino acid(s) of the EYS protein.

Literature cited by the submitters: PubMed 18976725; PubMed 31074760; PubMed 29159838; PubMed 30337596.

NM_001142800.2(EYS):c.8102del (p.Ser2701fs)

Gene: EYS (EGF-like photoreceptor maintenance factor; minus strand). Cytogenetic location: 6q12.
Variant type: Deletion.
Coding change: c.8102del on transcript NM_001142800.2 (MANE Select); coding-DNA position 8102, one base deleted (G; older notation c.8102delG).
Protein change: p.Ser2701fs; shifts the reading frame from serine 2701.
Molecular consequence: frameshift variant.
Genome position (GRCh38, 1-based): chr6:63,726,650, C deleted on the plus strand (G on the coding strand, the reverse complement: EYS is on the minus strand). VCF-style (leftmost placement, unchanged base first): chr6-63726649-GC-G. GRCh37 (hg19) VCF-style: chr6-64436542-GC-G.
Other names: c.8165del, p.Ser2722fs (NM_001292009.2); short protein forms S2722fs, S2701fs.
Identifiers: ClinVar variation 1374211 (VCV001374211.8), dbSNP rs2149631907, ClinGen allele CA2573141301.